The following is an entry in ClinVar:

ClinVar aggregate classification (germline): Uncertain significance. Review status: criteria provided, multiple submitters, no conflicts (2 of 4 stars). 2 submissions from 2 submitters: Uncertain significance (2). Last evaluated 2024-12-16.

Allele frequency attached by ClinVar (database versions not stated): ExAC 0.00001; TOPMed 0.00002; ESP Exome Variant Server 0.00008; gnomAD 0.00002.
gnomAD v4.1: 75 of 1,611,536 alleles (0.0047%); highest among the groups gnomAD compares: Non-Finnish European, 0.0063%; no homozygotes.

Submissions (2):

Ambry Genetics
Classification: Uncertain significance. Last evaluated: 2024-12-16. Review status: criteria provided, single submitter. Criteria: Ambry Variant Classification Scheme 2023. Collection method: clinical testing. Allele origin: germline.
Comment: The p.T562N variant (also known as c.1685C>A), located in coding exon 8 of the ATRIP gene, results from a C to A substitution at nucleotide position 1685. The threonine at codon 562 is replaced by asparagine, an amino acid with similar properties. This amino acid position is conserved. In addition, this alteration is predicted to be tolerated by in silico analysis. Based on the available evidence, the clinical significance of this variant remains unclear.

Labcorp Genetics (formerly Invitae), Labcorp
Classification: Uncertain significance. Last evaluated: 2024-04-25. Review status: criteria provided, single submitter. Criteria: Invitae Variant Classification Sherloc (09022015). Collection method: clinical testing. Allele origin: germline.
Comment: This sequence change replaces threonine, which is neutral and polar, with asparagine, which is neutral and polar, at codon 562 of the ATRIP protein (p.Thr562Asn). This variant is present in population databases (rs375674912, gnomAD 0.0009%). This variant has not been reported in the literature in individuals affected with ATRIP-related conditions. Algorithms developed to predict the effect of missense changes on protein structure and function output the following: SIFT: "Not Available"; PolyPhen-2: "Benign"; Align-GVGD: "Not Available". The asparagine amino acid residue is found in multiple mammalian species, which suggests that this missense change does not adversely affect protein function. In summary, the available evidence is currently insufficient to determine the role of this variant in disease. Therefore, it has been classified as a Variant of Uncertain Significance.

NM_130384.3(ATRIP):c.1685C>A (p.Thr562Asn)

Genes: ATRIP (ATR interacting protein; plus strand), ATRIP-TREX1 (ATRIP-TREX1 readthrough; plus strand). Cytogenetic location: 3p21.31.
Variant type: single nucleotide variant.
Coding change: c.1685C>A on transcript NM_130384.3 (MANE Select); coding-DNA position 1685, C replaced by A.
Protein change: p.Thr562Asn; replaces threonine 562 with asparagine.
Molecular consequence: missense variant. On other transcripts: non-coding transcript variant (1).
Genome position (GRCh38, 1-based): chr3:48,460,739, C>A. VCF-style: chr3-48460739-C-A. GRCh37 (hg19) VCF-style: chr3-48502138-C-A.
Other names: c.1304C>A, p.Thr435Asn (NM_001271022.2); c.1406C>A, p.Thr469Asn (NM_001271023.2); c.1685C>A, p.Thr562Asn (NM_032166.4); c.1685C>A (NM_130384.1); short protein forms T435N, T562N, T469N.
Identifiers: ClinVar variation 2896357 (VCV002896357.4), dbSNP rs375674912, ClinGen allele CA2376242.